The following is an entry in ClinVar:

ClinVar aggregate classification (germline): Uncertain significance. Review status: criteria provided, multiple submitters, no conflicts (2 of 4 stars). 2 submissions from 2 submitters: Uncertain significance (2). Last evaluated 2025-04-08.

Conditions:
DICER1-related tumor predisposition. Also called: DICER1 syndrome; DICER1-related pleuropulmonary blastoma cancer predisposition syndrome. Identifiers: Orphanet 284343, MedGen C3839822, MONDO:0100216.
Hereditary cancer-predisposing syndrome. Also called: Hereditary neoplastic syndrome; Tumor predisposition; Neoplastic Syndromes, Hereditary; Hereditary Cancer Syndrome. Identifiers: Orphanet 140162, MedGen C0027672, MeSH D009386, MONDO:0015356.

Allele frequency attached by ClinVar (database versions not stated): gnomAD exomes below 0.00001.

Submissions (2):

Labcorp Genetics (formerly Invitae), Labcorp
Classification: Uncertain significance for DICER1-related tumor predisposition. Last evaluated: 2025-04-08. Review status: criteria provided, single submitter. Criteria: Invitae Variant Classification Sherloc (09022015). Collection method: clinical testing. Allele origin: germline.
Comment: This sequence change replaces methionine, which is neutral and non-polar, with valine, which is neutral and non-polar, at codon 1261 of the DICER1 protein (p.Met1261Val). This variant is not present in population databases (gnomAD no frequency). This variant has not been reported in the literature in individuals affected with DICER1-related conditions. ClinVar contains an entry for this variant (Variation ID: 859743). Invitae Evidence Modeling of protein sequence and biophysical properties (such as structural, functional, and spatial information, amino acid conservation, physicochemical variation, residue mobility, and thermodynamic stability) indicates that this missense variant is not expected to disrupt DICER1 protein function with a negative predictive value of 95%. In summary, the available evidence is currently insufficient to determine the role of this variant in disease. Therefore, it has been classified as a Variant of Uncertain Significance.

Ambry Genetics
Classification: Uncertain significance for Hereditary cancer-predisposing syndrome. Last evaluated: 2024-05-30. Review status: criteria provided, single submitter. Criteria: Ambry Variant Classification Scheme 2023. Collection method: clinical testing. Allele origin: germline.
Comment: The p.M1261V variant (also known as c.3781A>G), located in coding exon 20 of the DICER1 gene, results from an A to G substitution at nucleotide position 3781. The methionine at codon 1261 is replaced by valine, an amino acid with highly similar properties. This amino acid position is conserved. In addition, this alteration is predicted to be tolerated by in silico analysis. Based on the available evidence, the clinical significance of this variant remains unclear.

NM_177438.3(DICER1):c.3781A>G (p.Met1261Val)

Gene: DICER1 (dicer 1, ribonuclease III; minus strand). Cytogenetic location: 14q32.13.
Variant type: single nucleotide variant.
Coding change: c.3781A>G on transcript NM_177438.3 (MANE Select); coding-DNA position 3781, A replaced by G.
Protein change: p.Met1261Val; replaces methionine 1261 with valine.
Molecular consequence: missense variant.
Genome position (GRCh38, 1-based): chr14:95,103,615, T>C on the plus strand (A>G on the coding strand, the complement: DICER1 is on the minus strand). VCF-style: chr14-95103615-T-C. GRCh37 (hg19) VCF-style: chr14-95569952-T-C.
Other names: c.3781A>G, p.Met1261Val (NM_001195573.1, NM_001271282.3, NM_001291628.2 and 1 more transcripts); short protein forms M1261V.
Identifiers: ClinVar variation 859743 (VCV000859743.12), dbSNP rs1891104541, ClinGen allele CA390873501.